The following is an entry in ClinVar:

NM_000363.5(TNNI3):c.536_549+1del

Gene: TNNI3 (troponin I3, cardiac type; minus strand). Cytogenetic location: 19q13.42.
Variant type: Deletion.
Coding change: c.536_549+1del on transcript NM_000363.5 (MANE Select); coding-DNA position 536 through the canonical splice donor site of the intron after coding-DNA position 549, 15 bases deleted (AGGACACCGAGAAGG).
Molecular consequence: splice donor variant.
Genome position (GRCh38, 1-based): chr19:55,154,029-55,154,043, CCTTCTCGGTGTCCT deleted on the plus strand (AGGACACCGAGAAGG on the coding strand, the reverse complement: TNNI3 is on the minus strand); deleting any 15 consecutive bases within chr19:55,154,029-55,154,049 gives the same sequence; the c. name uses the placement nearest the transcript's 3' end. VCF-style (leftmost placement, unchanged base first): chr19-55154028-ACCTTCTCGGTGTCCT-A. GRCh37 (hg19) VCF-style: chr19-55665396-ACCTTCTCGGTGTCCT-A.
Identifiers: ClinVar variation 1015200 (VCV001015200.8), dbSNP rs2085710887, ClinGen allele CA2343273705.
Genomic context (GRCh38, chr19:55,154,028, plus strand): 5'-GTTGTTGGCACCCACAGCCCTTCCCCTCAGCATCCTCTTTCCTGGCCTTAGCCCACACTC[ACCTTCTCGGTGTCCT>A]CCTTCTTCACCTGCTTGAGGTGGGCCCGCAGGTCCAGGGACTCCTTAGCCCGGGCCCCCA-3'

ClinVar aggregate classification (germline): Uncertain significance (1 of 4 stars; one submission).

Conditions:
Hypertrophic cardiomyopathy. Also called: HYPERTROPHIC MYOCARDIOPATHY. Identifiers: Orphanet 217569, MedGen C0007194, MeSH D002312, MONDO:0005045, HP:0001639.

Submission:

Labcorp Genetics (formerly Invitae), Labcorp
Classification: Uncertain significance for Hypertrophic cardiomyopathy. Last evaluated: 2017-12-22. Review status: criteria provided, single submitter. Criteria: Invitae Variant Classification Sherloc (09022015). Collection method: clinical testing. Allele origin: germline.
Comment: In summary, the available evidence is currently insufficient to determine the role of this variant in disease. Therefore, it has been classified as a Variant of Uncertain Significance. Experimental studies and prediction algorithms are not available for this variant, and the functional significance of the disrupted amino acids is currently unknown. This variant has not been reported in the literature in individuals with TNNI3-related disease. This variant is not present in population databases (ExAC no frequency). This variant is a gross deletion of the genomic region encompassing part of exon 7 of the TNNI3 gene, including the exon 7-intron 7 boundary (c.536_549+1del). While this is not anticipated to result in nonsense mediated decay, it is expected to disrupt the last 32 amino acids of the TNNI3 protein.